The following is an entry in ClinVar:

NM_004826.4(ECEL1):c.1945T>G (p.Cys649Gly)

Gene: ECEL1 (endothelin converting enzyme like 1; minus strand). Cytogenetic location: 2q37.1.
Variant type: single nucleotide variant.
Coding change: c.1945T>G on transcript NM_004826.4 (MANE Select); coding-DNA position 1945, T replaced by G.
Protein change: p.Cys649Gly; replaces cysteine 649 with glycine.
Molecular consequence: missense variant.
Genome position (GRCh38, 1-based): chr2:232,481,550, A>C on the plus strand (T>G on the coding strand, the complement: ECEL1 is on the minus strand). VCF-style: chr2-232481550-A-C. GRCh37 (hg19) VCF-style: chr2-233346260-A-C.
Other names: c.1939T>G, p.Cys647Gly (NM_001290787.2); short protein forms C647G, C649G.
Identifiers: ClinVar variation 4534504 (VCV004534504.6).

ClinVar aggregate classification (germline): Uncertain significance (1 of 4 stars; one submission).

Submission:

CeGaT Center for Human Genetics Tuebingen
Classification: Uncertain significance. Last evaluated: 2026-01-01. Review status: criteria provided, single submitter. Criteria: CeGaT Center For Human Genetics Tuebingen Variant Classification Criteria Version 2. Collection method: clinical testing. Allele origin: germline. Affected: yes. Observed: 1 variant allele.
Comment: ECEL1: PM2, PM3